The following is an entry in ClinVar:

ClinVar aggregate classification (germline): Uncertain significance (1 of 4 stars; one submission).

gnomAD v4.1: 1 of 1,614,176 alleles (0.000062%); highest among the groups gnomAD compares: Non-Finnish European, 0.000085%; no homozygotes.

Submission:

Ambry Genetics
Classification: Uncertain significance. Last evaluated: 2026-06-18. Review status: criteria provided, single submitter. Criteria: Ambry Variant Classification Scheme 2023. Collection method: clinical testing. Allele origin: germline.
Comment: The p.V792I variant (also known as c.2374G>A), located in coding exon 19 of the A2ML1 gene, results from a G to A substitution at nucleotide position 2374. The valine at codon 792 is replaced by isoleucine, an amino acid with highly similar properties. This amino acid position is conserved. In addition, this alteration is predicted to be tolerated by in silico analysis. Based on the available evidence, the clinical significance of this variant remains unclear.

NM_144670.6(A2ML1):c.2374G>A (p.Val792Ile)

Gene: A2ML1 (alpha-2-macroglobulin like 1; plus strand). Cytogenetic location: 12p13.31.
Variant type: single nucleotide variant.
Coding change: c.2374G>A on transcript NM_144670.6 (MANE Select); coding-DNA position 2374, G replaced by A.
Protein change: p.Val792Ile; replaces valine 792 with isoleucine.
Molecular consequence: missense variant.
Genome position (GRCh38, 1-based): chr12:8,851,923, G>A. VCF-style: chr12-8851923-G-A. GRCh37 (hg19) VCF-style: chr12-9004519-G-A.
Other names: c.901G>A, p.Val301Ile (NM_001282424.3); short protein forms V301I, V792I.
Identifiers: ClinVar variation 5033022 (VCV005033022.1).
Genomic context (GRCh38, chr12:8,851,923, plus strand): 5'-CAGTCAAGAGGCTTCGGGCTTTCACCCACTGTTGGACTAACTGCTTTCAAGCCGTTCTTT[G>A]TTGACCTGACTCTCCCTTACTCAGTAGTCCGTGGGGAATCCTTTCGTCTTACTGCCACCA-3'
Protein context (NP_653271.3, residues 782-802): VGLTAFKPFF[Val792Ile]DLTLPYSVVR